The following is an entry in ClinVar:

NM_031421.5(ODAD4):c.650_653dup (p.Leu219fs)

Gene: ODAD4 (outer dynein arm docking complex subunit 4; plus strand). Cytogenetic location: 17q21.2.
Variant type: Duplication.
Coding change: c.650_653dup on transcript NM_031421.5 (MANE Select); coding-DNA positions 650 to 653, 4 bases duplicated (GCGG; older notation c.650_653dupGCGG).
Protein change: p.Leu219fs; shifts the reading frame from leucine 219.
Molecular consequence: frameshift variant. On other transcripts: non-coding transcript variant (1).
Genome position (GRCh38, 1-based): chr17:41,938,581-41,938,584, GCGG duplicated; duplicating any 4 consecutive bases within chr17:41,938,579-41,938,584 gives the same sequence; the c. name uses the placement nearest the transcript's 3' end. VCF-style (leftmost placement, unchanged base first): chr17-41938578-A-AGGGC. GRCh37 (hg19) VCF-style: chr17-40094831-A-AGGGC.
Other names: c.650_653dup, p.Leu219fs (NM_001350319.2); short protein forms L219fs.
Identifiers: ClinVar variation 4292842 (VCV004292842.1).

ClinVar aggregate classification (germline): Pathogenic (1 of 4 stars; one submission).

Conditions:
Primary ciliary dyskinesia 35. Also called: CILIARY DYSKINESIA, PRIMARY, 35, WITH OR WITHOUT SITUS INVERSUS. Identifiers: Orphanet 244, MedGen C4310721, MONDO:0014910, OMIM 617092.

Submission:

3billion
Classification: Pathogenic for Primary ciliary dyskinesia 35. Last evaluated: 2025-03-18. Review status: criteria provided, single submitter. Criteria: ACMG Guidelines, 2015. Collection method: clinical testing. Allele origin: germline. Affected: yes.
Comment: The variant is not observed in the gnomAD v4.1.0 dataset. Predicted Consequence/Location: Frameshift: predicted to result in a loss or disruption of normal protein function through nonsense-mediated decay (NMD) or protein truncation. Multiple pathogenic variants are reported downstream of the variant. The variant was homozygous. Therefore, this variant is classified as Pathogenic according to the recommendation of ACMG/AMP guideline.